The following is an entry in ClinVar:

ClinVar aggregate classification (germline): Uncertain significance (1 of 4 stars; one submission).

Conditions:
Hereditary cancer-predisposing syndrome. Also called: Neoplastic Syndromes, Hereditary; Hereditary Cancer Syndrome; Tumor predisposition; Hereditary neoplastic syndrome. Identifiers: Orphanet 140162, MedGen C0027672, MeSH D009386, MONDO:0015356.

Submission:

Color Diagnostics, LLC DBA Color Health
Classification: Uncertain significance for Hereditary cancer-predisposing syndrome. Last evaluated: 2019-12-12. Review status: criteria provided, single submitter. Criteria: ACMG Guidelines, 2015. Collection method: clinical testing. Allele origin: germline.
Comment: This missense variant replaces proline with leucine at codon 343 of the RAD51C protein. Computational prediction suggests that this variant may not impact protein structure and function (internally defined REVEL score threshold <= 0.5, PMID: 27666373). Splice site prediction tools suggest that this variant may not impact RNA splicing. To our knowledge, functional studies have not been performed for this variant. This variant has not been reported in individuals affected with hereditary cancer in the literature. This variant has not been identified in the general population by the Genome Aggregation Database (gnomAD). The available evidence is insufficient to determine the role of this variant in disease conclusively. Therefore, this variant is classified as a Variant of Uncertain Significance.

NM_058216.3(RAD51C):c.1028C>T (p.Pro343Leu)

Gene: RAD51C (RAD51 paralog C; plus strand). Cytogenetic location: 17q22.
Variant type: single nucleotide variant.
Coding change: c.1028C>T on transcript NM_058216.3 (MANE Select); coding-DNA position 1028, C replaced by T.
Protein change: p.Pro343Leu; replaces proline 343 with leucine.
Molecular consequence: missense variant. On other transcripts: non-coding transcript variant (1).
Genome position (GRCh38, 1-based): chr17:58,734,119, C>T. VCF-style: chr17-58734119-C-T. GRCh37 (hg19) VCF-style: chr17-56811480-C-T.
Other names: short protein forms P343L.
Identifiers: ClinVar variation 928174 (VCV000928174.3), dbSNP rs2049559202, ClinGen allele CA400365815.